The following is an entry in ClinVar:

NM_004260.4(RECQL4):c.2692A>G (p.Met898Val)

Gene: RECQL4 (RecQ like helicase 4; minus strand). Cytogenetic location: 8q24.3.
Variant type: single nucleotide variant.
Coding change: c.2692A>G on transcript NM_004260.4 (MANE Select); coding-DNA position 2692, A replaced by G.
Protein change: p.Met898Val; replaces methionine 898 with valine.
Molecular consequence: missense variant.
Genome position (GRCh38, 1-based): chr8:144,512,910, T>C on the plus strand (A>G on the coding strand, the complement: RECQL4 is on the minus strand). VCF-style: chr8-144512910-T-C. GRCh37 (hg19) VCF-style: chr8-145738293-T-C.
Other names: short protein forms M898V.
Identifiers: ClinVar variation 664470 (VCV000664470.10), dbSNP rs776189878, ClinGen allele CA4948145.

ClinVar aggregate classification (germline): Uncertain significance. Review status: criteria provided, multiple submitters, no conflicts (2 of 4 stars). 3 submissions from 3 submitters: Uncertain significance (3). Last evaluated 2025-10-07.

Conditions:
Baller-Gerold syndrome (BGS). Also called: CRANIOSYNOSTOSIS WITH RADIAL DEFECTS. Identifiers: Orphanet 1225, MedGen C0265308, MONDO:0009039, OMIM 218600.
Hereditary cancer-predisposing syndrome. Also called: Neoplastic Syndromes, Hereditary; Hereditary Cancer Syndrome; Tumor predisposition; Hereditary neoplastic syndrome. Identifiers: Orphanet 140162, MedGen C0027672, MeSH D009386, MONDO:0015356.

Allele frequency attached by ClinVar (database versions not stated): TOPMed 0.00001; gnomAD exomes 0.00003; ExAC 0.00011.
gnomAD v4.1: 14 of 1,587,528 alleles (0.00088%); highest among the groups gnomAD compares: African/African-American, 0.0013%; no homozygotes.

Submissions (3):

Labcorp Genetics (formerly Invitae), Labcorp
Classification: Uncertain significance for Baller-Gerold syndrome. Last evaluated: 2025-10-07. Review status: criteria provided, single submitter. Criteria: Invitae Variant Classification Sherloc (09022015). Collection method: clinical testing. Allele origin: germline.
Comment: This sequence change replaces methionine, which is neutral and non-polar, with valine, which is neutral and non-polar, at codon 898 of the RECQL4 protein (p.Met898Val). This variant is present in population databases (rs776189878, gnomAD 0.008%). This variant has not been reported in the literature in individuals affected with RECQL4-related conditions. ClinVar contains an entry for this variant (Variation ID: 664470). Invitae Evidence Modeling of protein sequence and biophysical properties (such as structural, functional, and spatial information, amino acid conservation, physicochemical variation, residue mobility, and thermodynamic stability) indicates that this missense variant is not expected to disrupt RECQL4 protein function with a negative predictive value of 80%. In summary, the available evidence is currently insufficient to determine the role of this variant in disease. Therefore, it has been classified as a Variant of Uncertain Significance.

Sema4
Classification: Uncertain significance for Hereditary cancer-predisposing syndrome. Last evaluated: 2021-09-15. Review status: criteria provided, single submitter. Criteria: Sema4 Curation Guidelines. Collection method: curation. Allele origin: germline.
Comment: The RECQL4 c.2692A>G (p.M898V) variant has not been reported in literature to our knowledge. This variant was observed in 7/89226 chromosomes in the Non-Finnish European population according to the Genome Aggregation Database (PMID: 32461654). This variant has been reported in ClinVar (Variation ID 664470). In silico tools suggest the impact of the variant on protein function is benign, but this prediction has not been confirmed by functional studies. The overall evidence is insufficient to meet ACMG/AMP criteria for classifying it as benign or pathogenic. In summary, the clinical significance of this variant is currently uncertain.

Blueprint Genetics
Classification: Uncertain significance. Last evaluated: 2019-01-23. Review status: criteria provided, single submitter. Criteria: ACMG Guidelines, 2015. Collection method: clinical testing. Allele origin: germline.